The following is an entry in ClinVar:

ClinVar aggregate classification (germline): Uncertain significance. Review status: criteria provided, multiple submitters, no conflicts (2 of 4 stars). 4 submissions from 4 submitters: Uncertain significance (4). Last evaluated 2024-03-24.

Conditions:
Arrhythmogenic right ventricular dysplasia 9 (ARVD9). Also called: Arrhythmogenic Right Ventricular Dysplasia/Cardiomyopathy 9; ARRHYTHMOGENIC RIGHT VENTRICULAR DYSPLASIA, FAMILIAL, 9. Identifiers: MedGen C1836906, MONDO:0012180, OMIM 609040.
Cardiovascular phenotype. Identifiers: MedGen CN230736.
Arrhythmogenic right ventricular cardiomyopathy (ARVD). Also called: Cardiomyopathy, ARVC; Arrhythmogenic right ventricular dysplasia; Arrhythmogenic cardiomyopathy; Arrhythmogenic Right Ventricular Cardiomyopathy (ARVC). Identifiers: Orphanet 247, MedGen C0349788, MeSH D019571, MONDO:0016587. Disease mechanism: loss of function. Inheritance: Various modes of inheritance.

Submissions (4):

All of Us Research Program, National Institutes of Health
Classification: Uncertain significance for Arrhythmogenic right ventricular cardiomyopathy. Last evaluated: 2024-03-24. Review status: criteria provided, single submitter. Criteria: ACMG Guidelines, 2015. Collection method: clinical testing. Allele origin: germline. Inheritance: Autosomal dominant inheritance. Observed: 1 variant allele, 1 heterozygote.
Comment: This missense variant replaces arginine with leucine at codon 212 of the PKP2 protein. Computational prediction suggests that this variant may not impact protein structure and function (internally defined REVEL score threshold <= 0.5, PMID: 27666373). To our knowledge, functional studies have not been reported for this variant. This variant has been reported in an individual affected with arrhythmogenic cardiomyopathy (PMID: 33652588). This variant has not been identified in the general population by the Genome Aggregation Database (gnomAD). The available evidence is insufficient to determine the role of this variant in disease conclusively. Therefore, this variant is classified as a Variant of Uncertain Significance.

This study involves interpretation of variants in research participants for the purpose of population health screening. Participant phenotype was not available at the time of variant classification. Additional details can be found in publication PMID: 35346344, PMCID: PMC8962531

Labcorp Genetics (formerly Invitae), Labcorp
Classification: Uncertain significance for Arrhythmogenic right ventricular dysplasia 9. Last evaluated: 2022-03-27. Review status: criteria provided, single submitter. Criteria: Invitae Variant Classification Sherloc (09022015). Collection method: clinical testing. Allele origin: germline.
Comment: In summary, the available evidence is currently insufficient to determine the role of this variant in disease. Therefore, it has been classified as a Variant of Uncertain Significance. Algorithms developed to predict the effect of missense changes on protein structure and function (SIFT, PolyPhen-2, Align-GVGD) all suggest that this variant is likely to be tolerated. This variant has not been reported in the literature in individuals affected with PKP2-related conditions. This variant is not present in population databases (gnomAD no frequency). This sequence change replaces arginine, which is basic and polar, with leucine, which is neutral and non-polar, at codon 212 of the PKP2 protein (p.Arg212Leu).

Blueprint Genetics
Classification: Uncertain significance. Last evaluated: 2022-01-10. Review status: criteria provided, single submitter. Criteria: ACMG Guidelines, 2015. Collection method: clinical testing. Allele origin: germline.

Ambry Genetics
Classification: Uncertain significance for Cardiovascular phenotype. Last evaluated: 2020-03-16. Review status: criteria provided, single submitter. Criteria: Ambry Variant Classification Scheme 2023. Collection method: clinical testing. Allele origin: germline.
Comment: The p.R212L variant (also known as c.635G>T), located in coding exon 3 of the PKP2 gene, results from a G to T substitution at nucleotide position 635. The arginine at codon 212 is replaced by leucine, an amino acid with dissimilar properties. This amino acid position is well conserved in available vertebrate species. In addition, this alteration is predicted to be tolerated by in silico analysis. Since supporting evidence is limited at this time, the clinical significance of this alteration remains unclear.

Literature cited by the submitters: PubMed 33652588 (cited by All of Us Research Program, National Institutes of Health).

NM_001005242.3(PKP2):c.635G>T (p.Arg212Leu)

Gene: PKP2 (plakophilin 2; minus strand). Cytogenetic location: 12p11.21.
Variant type: single nucleotide variant.
Coding change: c.635G>T on transcript NM_001005242.3 (MANE Select); coding-DNA position 635, G replaced by T.
Protein change: p.Arg212Leu; replaces arginine 212 with leucine.
Molecular consequence: missense variant.
Genome position (GRCh38, 1-based): chr12:32,878,245, C>A on the plus strand (G>T on the coding strand, the complement: PKP2 is on the minus strand). VCF-style: chr12-32878245-C-A. GRCh37 (hg19) VCF-style: chr12-33031179-C-A.
Other names: c.635G>T, p.Arg212Leu (NM_001407155.1, NM_001407156.1, NM_001407157.1 and 2 more transcripts); c.308G>T, p.Arg103Leu (NM_001407158.1, NM_001407159.1, NM_001407160.1 and 1 more transcripts); short protein forms R103L, R212L.
Identifiers: ClinVar variation 1753052 (VCV001753052.9), dbSNP rs1369618463, ClinGen allele CA384363861.